The following is an entry in ClinVar:

ClinVar aggregate classification (germline): Likely benign. Review status: criteria provided, multiple submitters, no conflicts (2 of 4 stars). 3 submissions from 3 submitters: Likely benign (3). Last evaluated 2025-08-01.

Conditions:
Rhabdoid tumor predisposition syndrome 2 (RTPS2). Identifiers: Orphanet 231108, Orphanet 69077, MedGen C2750074, MONDO:0013224, OMIM 613325.
Hereditary cancer-predisposing syndrome. Also called: Hereditary Cancer Syndrome; Tumor predisposition; Neoplastic Syndromes, Hereditary; Hereditary neoplastic syndrome. Identifiers: Orphanet 140162, MedGen C0027672, MeSH D009386, MONDO:0015356.

Allele frequency attached by ClinVar (database versions not stated): gnomAD exomes below 0.00001; ExAC 0.00001.
gnomAD v4.1: 7 of 1,614,190 alleles (0.00043%); highest among the groups gnomAD compares: Non-Finnish European, 0.00059%; no homozygotes.

Submissions (3):

CeGaT Center for Human Genetics Tuebingen
Classification: Likely benign. Last evaluated: 2025-08-01. Review status: criteria provided, single submitter. Criteria: CeGaT Center For Human Genetics Tuebingen Variant Classification Criteria Version 2. Collection method: clinical testing. Allele origin: germline. Affected: yes. Observed: 1 variant allele.
Comment: SMARCA4: BP4, BP7

Ambry Genetics
Classification: Likely benign for Hereditary cancer-predisposing syndrome. Last evaluated: 2023-02-05. Review status: criteria provided, single submitter. Criteria: Ambry Variant Classification Scheme 2023. Collection method: clinical testing. Allele origin: germline.

Labcorp Genetics (formerly Invitae), Labcorp
Classification: Likely benign for Rhabdoid tumor predisposition syndrome 2. Last evaluated: 2019-06-15. Review status: criteria provided, single submitter. Criteria: Invitae Variant Classification Sherloc (09022015). Collection method: clinical testing. Allele origin: germline.

NM_003072.5(SMARCA4):c.1686T>G (p.Ala562=)

Gene: SMARCA4 (SWI/SNF related BAF chromatin remodeling complex subunit ATPase 4; plus strand). Cytogenetic location: 19p13.2.
Variant type: single nucleotide variant.
Coding change: c.1686T>G on transcript NM_003072.5 (MANE Select); coding-DNA position 1686, T replaced by G.
Protein change: p.Ala562=; no amino-acid change (alanine 562 retained).
Molecular consequence: synonymous variant. On other transcripts: non-coding transcript variant (1).
Genome position (GRCh38, 1-based): chr19:10,996,305, T>G. VCF-style: chr19-10996305-T-G. GRCh37 (hg19) VCF-style: chr19-11106981-T-G.
Other names: c.1686T>G, p.Ala562= (NM_001128844.3, NM_001128845.2, NM_001128846.2 and 5 more transcripts).
Identifiers: ClinVar variation 537909 (VCV000537909.20), dbSNP rs750674041, ClinGen allele CA9203853.